The following is an entry in ClinVar:

NM_181486.4(TBX5):c.652C>T (p.Gln218Ter)

Gene: TBX5 (T-box transcription factor 5; minus strand). Cytogenetic location: 12q24.21.
Variant type: single nucleotide variant.
Coding change: c.652C>T on transcript NM_181486.4 (MANE Select); coding-DNA position 652, C replaced by T.
Protein change: p.Gln218Ter; replaces glutamine 218 with a stop codon.
Molecular consequence: nonsense.
Genome position (GRCh38, 1-based): chr12:114,394,752, G>A on the plus strand (C>T on the coding strand, the complement: TBX5 is on the minus strand). VCF-style: chr12-114394752-G-A. GRCh37 (hg19) VCF-style: chr12-114832557-G-A.
Other names: c.652C>T, p.Gln218Ter (NM_000192.3); c.502C>T, p.Gln168Ter (NM_080717.4); short protein forms Q168*, Q218*.
Identifiers: ClinVar variation 1012346 (VCV001012346.5), dbSNP rs2136410724, ClinGen allele CA386861307.

ClinVar aggregate classification (germline): Pathogenic. Review status: criteria provided, single submitter (1 of 4 stars). 2 submissions from 2 submitters: Pathogenic (1). 1 of the submissions does not count toward it. Last evaluated 2023-05-10.

Conditions:
Aortic valve disease 2 (AOVD2). Identifiers: MedGen C3542024, MONDO:0013902, OMIM 614823.
Primary dilated cardiomyopathy (DCM). Also called: Dilated Cardiomyopathy. Identifiers: Orphanet 217604, MedGen C0007193, MeSH D002311, MONDO:0005021, HP:0001644. Inheritance: Various modes of inheritance.

Submissions (2):

Labcorp Genetics (formerly Invitae), Labcorp
Classification: Pathogenic for Aortic valve disease 2. Last evaluated: 2023-05-10. Review status: criteria provided, single submitter. Criteria: Invitae Variant Classification Sherloc (09022015). Collection method: clinical testing. Allele origin: germline.
Comment: For these reasons, this variant has been classified as Pathogenic. ClinVar contains an entry for this variant (Variation ID: 1012346). This variant has not been reported in the literature in individuals affected with TBX5-related conditions. This variant is not present in population databases (gnomAD no frequency). This sequence change creates a premature translational stop signal (p.Gln218*) in the TBX5 gene. It is expected to result in an absent or disrupted protein product. Loss-of-function variants in TBX5 are known to be pathogenic (PMID: 16183809, 16917909).

KTest Genetics, KTest
Classification: Likely pathogenic for Dilated cardiomyopathy. Review status: no assertion criteria provided. Criteria: ACMG Guidelines, 2015. Collection method: clinical testing. Allele origin: germline. Affected: yes. Not counted in ClinVar's aggregate classification.

Literature cited by the submitters: PubMed 16183809 (cited by Labcorp Genetics (formerly Invitae), Labcorp); PubMed 16917909 (cited by Labcorp Genetics (formerly Invitae), Labcorp).